The following is an entry in ClinVar:

ClinVar aggregate classification (germline): Uncertain significance (1 of 4 stars; one submission).

Submission:

Labcorp Genetics (formerly Invitae), Labcorp
Classification: Uncertain significance. Last evaluated: 2022-10-13. Review status: criteria provided, single submitter. Criteria: Invitae Variant Classification Sherloc (09022015). Collection method: clinical testing. Allele origin: germline.
Comment: In summary, the available evidence is currently insufficient to determine the role of this variant in disease. Therefore, it has been classified as a Variant of Uncertain Significance. Algorithms developed to predict the effect of sequence changes on RNA splicing suggest that this variant may create or strengthen a splice site. Algorithms developed to predict the effect of missense changes on protein structure and function are either unavailable or do not agree on the potential impact of this missense change (SIFT: "Deleterious"; PolyPhen-2: "Probably Damaging"; Align-GVGD: "Class C0"). ClinVar contains an entry for this variant (Variation ID: 1491515). This variant has not been reported in the literature in individuals affected with CAPN5-related conditions. This variant is not present in population databases (gnomAD no frequency). This sequence change replaces lysine, which is basic and polar, with arginine, which is basic and polar, at codon 99 of the CAPN5 protein (p.Lys99Arg).

NM_004055.5(CAPN5):c.296A>G (p.Lys99Arg)

Gene: CAPN5 (calpain 5; plus strand). Cytogenetic location: 11q13.5.
Variant type: single nucleotide variant.
Coding change: c.296A>G on transcript NM_004055.5 (MANE Select); coding-DNA position 296, A replaced by G.
Protein change: p.Lys99Arg; replaces lysine 99 with arginine.
Molecular consequence: missense variant.
Genome position (GRCh38, 1-based): chr11:77,093,812, A>G. VCF-style: chr11-77093812-A-G. GRCh37 (hg19) VCF-style: chr11-76804858-A-G.
Other names: short protein forms K99R.
Identifiers: ClinVar variation 1491515 (VCV001491515.6), dbSNP rs2135436381, ClinGen allele CA381931622.